The following is an entry in ClinVar:

ClinVar aggregate classification (germline): Uncertain significance (1 of 4 stars; one submission).

Submission:

Labcorp Genetics (formerly Invitae), Labcorp
Classification: Uncertain significance. Last evaluated: 2024-02-15. Review status: criteria provided, single submitter. Criteria: Invitae Variant Classification Sherloc (09022015). Collection method: clinical testing. Allele origin: germline.
Comment: This sequence change replaces methionine, which is neutral and non-polar, with leucine, which is neutral and non-polar, at codon 151 of the NTHL1 protein (p.Met151Leu). This variant is not present in population databases (gnomAD no frequency). This variant has not been reported in the literature in individuals affected with NTHL1-related conditions. An algorithm developed to predict the effect of missense changes on protein structure and function (PolyPhen-2) suggests that this variant is likely to be tolerated. In summary, the available evidence is currently insufficient to determine the role of this variant in disease. Therefore, it has been classified as a Variant of Uncertain Significance.

NM_002528.7(NTHL1):c.427A>C (p.Met143Leu)

Gene: NTHL1 (nth like DNA glycosylase 1; minus strand). Cytogenetic location: 16p13.3.
Variant type: single nucleotide variant.
Coding change: c.427A>C on transcript NM_002528.7 (MANE Select); coding-DNA position 427, A replaced by C.
Protein change: p.Met143Leu; replaces methionine 143 with leucine.
Molecular consequence: missense variant. On other transcripts: intron variant (1).
Genome position (GRCh38, 1-based): chr16:2,044,728, T>G on the plus strand (A>C on the coding strand, the complement: NTHL1 is on the minus strand). VCF-style: chr16-2044728-T-G. GRCh37 (hg19) VCF-style: chr16-2094729-T-G.
Other names: c.97A>C, p.Met33Leu (NM_001318194.2); c.355-1002A>C (NM_001318193.2); short protein forms M143L, M33L.
Identifiers: ClinVar variation 3678418 (VCV003678418.2).